The following is an entry in ClinVar:

ClinVar aggregate classification (germline): Pathogenic (1 of 4 stars; one submission).

Submission:

Labcorp Genetics (formerly Invitae), Labcorp
Classification: Pathogenic. Last evaluated: 2022-10-16. Review status: criteria provided, single submitter. Criteria: Invitae Variant Classification Sherloc (09022015). Collection method: clinical testing. Allele origin: germline.
Comment: For these reasons, this variant has been classified as Pathogenic. Advanced modeling of protein sequence and biophysical properties (such as structural, functional, and spatial information, amino acid conservation, physicochemical variation, residue mobility, and thermodynamic stability) performed at Invitae indicates that this missense variant is expected to disrupt HCCS protein function. ClinVar contains an entry for this variant (Variation ID: 1497198). This missense change has been observed in individual(s) with clinical features of microphthalmia with linear skin defects syndrome (Invitae). In at least one individual the variant was observed to be de novo. This variant is not present in population databases (gnomAD no frequency). This sequence change replaces tryptophan, which is neutral and slightly polar, with serine, which is neutral and polar, at codon 213 of the HCCS protein (p.Trp213Ser).

NM_005333.5(HCCS):c.638G>C (p.Trp213Ser)

Gene: HCCS (holocytochrome c synthase; plus strand). Cytogenetic location: Xp22.2.
Variant type: single nucleotide variant.
Coding change: c.638G>C on transcript NM_005333.5 (MANE Select); coding-DNA position 638, G replaced by C.
Protein change: p.Trp213Ser; replaces tryptophan 213 with serine.
Molecular consequence: missense variant.
Genome position (GRCh38, 1-based): chrX:11,121,641, G>C. VCF-style: chrX-11121641-G-C. GRCh37 (hg19) VCF-style: chrX-11139761-G-C.
Other names: c.638G>C, p.Trp213Ser (NM_001122608.3, NM_001171991.3); short protein forms W213S.
Identifiers: ClinVar variation 1497198 (VCV001497198.6), dbSNP rs2147253978, ClinGen allele CA412055461.